The following is an entry in ClinVar:

NM_001035.3(RYR2):c.10501A>G (p.Thr3501Ala)

Gene: RYR2 (ryanodine receptor 2; plus strand). Cytogenetic location: 1q43.
Variant type: single nucleotide variant.
Coding change: c.10501A>G on transcript NM_001035.3 (MANE Select); coding-DNA position 10501, A replaced by G.
Protein change: p.Thr3501Ala; replaces threonine 3501 with alanine.
Molecular consequence: missense variant.
Genome position (GRCh38, 1-based): chr1:237,718,468, A>G. VCF-style: chr1-237718468-A-G. GRCh37 (hg19) VCF-style: chr1-237881768-A-G.
Other names: short protein forms T3501A.
Identifiers: ClinVar variation 842391 (VCV000842391.11), dbSNP rs1689443133, ClinGen allele CA345415111.

ClinVar aggregate classification (germline): Uncertain significance (1 of 4 stars; one submission).

Conditions:
Catecholaminergic polymorphic ventricular tachycardia 1. Also called: VENTRICULAR TACHYCARDIA, CATECHOLAMINERGIC POLYMORPHIC, 1, WITH OR WITHOUT ATRIAL DYSFUNCTION AND/OR DILATED CARDIOMYOPATHY; VENTRICULAR TACHYCARDIA, STRESS-INDUCED POLYMORPHIC 1; RYR2-Related Catecholaminergic Polymorphic Ventricular Tachycardia. Identifiers: Orphanet 3286, MedGen C1631597, MONDO:0011484, OMIM 604772.

Allele frequency attached by ClinVar (database versions not stated): gnomAD exomes below 0.00001.
gnomAD v4.1: 1 of 1,563,324 alleles (0.000064%); highest among the groups gnomAD compares: Non-Finnish European, 0.000088%; no homozygotes.

Submission:

Labcorp Genetics (formerly Invitae), Labcorp
Classification: Uncertain significance for Catecholaminergic polymorphic ventricular tachycardia 1. Last evaluated: 2022-02-01. Review status: criteria provided, single submitter. Criteria: Invitae Variant Classification Sherloc (09022015). Collection method: clinical testing. Allele origin: germline.
Comment: This variant has not been reported in the literature in individuals affected with RYR2-related conditions. In summary, the available evidence is currently insufficient to determine the role of this variant in disease. Therefore, it has been classified as a Variant of Uncertain Significance. Advanced modeling of protein sequence and biophysical properties (such as structural, functional, and spatial information, amino acid conservation, physicochemical variation, residue mobility, and thermodynamic stability) performed at Invitae indicates that this missense variant is expected to disrupt RYR2 protein function. ClinVar contains an entry for this variant (Variation ID: 842391). This variant is not present in population databases (gnomAD no frequency). This sequence change replaces threonine, which is neutral and polar, with alanine, which is neutral and non-polar, at codon 3501 of the RYR2 protein (p.Thr3501Ala).